The following is an entry in ClinVar:

ClinVar aggregate classification (germline): Pathogenic (1 of 4 stars; one submission).

Submission:

Labcorp Genetics (formerly Invitae), Labcorp
Classification: Pathogenic. Last evaluated: 2023-08-10. Review status: criteria provided, single submitter. Criteria: Invitae Variant Classification Sherloc (09022015). Collection method: clinical testing. Allele origin: germline.
Comment: For these reasons, this variant has been classified as Pathogenic. ClinVar contains an entry for this variant (Variation ID: 1483886). This variant has not been reported in the literature in individuals affected with CSF1R-related conditions. This variant is not present in population databases (gnomAD no frequency). This sequence change creates a premature translational stop signal (p.Glu626*) in the CSF1R gene. It is expected to result in an absent or disrupted protein product. Loss-of-function variants in CSF1R are known to be pathogenic (PMID: 22046273, 24120500, 24145216, 24336230, 30982608, 30982609).

Literature cited by the submitters: PubMed 22046273; PubMed 24120500; PubMed 24145216; PubMed 24336230; PubMed 30982608; PubMed 30982609.

NM_001288705.3(CSF1R):c.1876G>T (p.Glu626Ter)

Gene: CSF1R (colony stimulating factor 1 receptor; minus strand). Cytogenetic location: 5q32.
Variant type: single nucleotide variant.
Coding change: c.1876G>T on transcript NM_001288705.3 (MANE Select); coding-DNA position 1876, G replaced by T.
Protein change: p.Glu626Ter; replaces glutamic acid 626 with a stop codon.
Molecular consequence: nonsense. On other transcripts: non-coding transcript variant (2).
Genome position (GRCh38, 1-based): chr5:150,060,955, C>A on the plus strand (G>T on the coding strand, the complement: CSF1R is on the minus strand). VCF-style: chr5-150060955-C-A. GRCh37 (hg19) VCF-style: chr5-149440518-C-A.
Other names: c.1876G>T, p.Glu626Ter (NM_001349736.2, NM_001375320.1, NM_005211.4); c.1432G>T, p.Glu478Ter (NM_001375321.1); short protein forms E478*, E626*.
Identifiers: ClinVar variation 1483886 (VCV001483886.6), dbSNP rs1228572300, ClinGen allele CA361713930.
Genomic context (GRCh38, chr5:150,060,955, plus strand): 5'-TGTTCTCGTGCTGGCCCAGGTGGCTCATGATCTTCAGCTCGGACATGAGGGCCTCCTTCT[C>A]ATCAGCATGGGCCGTGGCTGGGAGGAAGAACCACAGTCCCAAAGACAGGGAGAGGGCAGG-3'